The following is an entry in ClinVar:

NM_001009944.3(PKD1):c.12436G>A (p.Val4146Ile)

Gene: PKD1 (polycystin 1, transient receptor potential channel interacting; minus strand). Cytogenetic location: 16p13.3.
Variant type: single nucleotide variant.
Coding change: c.12436G>A on transcript NM_001009944.3 (MANE Select); coding-DNA position 12436, G replaced by A.
Protein change: p.Val4146Ile; replaces valine 4146 with isoleucine.
Molecular consequence: missense variant.
Genome position (GRCh38, 1-based): chr16:2,090,293, C>T on the plus strand (G>A on the coding strand, the complement: PKD1 is on the minus strand). VCF-style: chr16-2090293-C-T. GRCh37 (hg19) VCF-style: chr16-2140294-C-T.
Other names: c.12433G>A, p.Val4145Ile (NM_000296.4); short protein forms V4146I, V4145I.
Identifiers: ClinVar variation 256919 (VCV000256919.42), dbSNP rs148478410, ClinGen allele CA7828641.

ClinVar aggregate classification (germline): Benign/Likely benign. Review status: criteria provided, multiple submitters, no conflicts (2 of 4 stars). 12 submissions from 12 submitters: Benign (3); Likely benign (6). 3 of the submissions do not count toward it. Last evaluated 2026-08-01.

Conditions:
Polycystic kidney disease, adult type (PKD1). Also called: POLYCYSTIC KIDNEY DISEASE, ADULT, TYPE I; Polycystic Kidney, Autosomal Dominant; Polycystic Kidney Disease 1, Autosomal Dominant; Polycystic kidney disease 1; Polycystic kidney disease 1, severe; POLYCYSTIC KIDNEY DISEASE 1 WITH OR WITHOUT POLYCYSTIC LIVER DISEASE. Identifiers: MedGen C3149841, MONDO:0008263, OMIM 173900.
Polycystic kidney disease. Also called: Kidney, Polycystic; Polycystic kidney dysplasia. Identifiers: MedGen C0022680, MeSH D007690, MONDO:0020642, HP:0000113.

Allele frequency attached by ClinVar (database versions not stated): TOPMed 0.00276; 1000 Genomes Project 30x 0.00281; gnomAD 0.00312 and 0.00326; ESP Exome Variant Server 0.00316; 1000 Genomes Project 0.00339; ExAC 0.00485.
gnomAD v4.1: 6,093 of 1,609,992 alleles (0.38%); highest among the groups gnomAD compares: Middle Eastern, 1.7%; 31 homozygotes.

Submissions (12):

CeGaT Center for Human Genetics Tuebingen
Classification: Likely benign. Last evaluated: 2026-08-01. Review status: criteria provided, single submitter. Criteria: CeGaT Center For Human Genetics Tuebingen Variant Classification Criteria Version 2. Collection method: clinical testing. Allele origin: germline. Affected: yes. Observed: 24 variant alleles.
Comment: PKD1: BS2

Women's Health and Genetics/Laboratory Corporation of America, LabCorp
Classification: Likely benign. Last evaluated: 2026-06-03. Review status: criteria provided, single submitter. Criteria: LabCorp Variant Classification Summary - May 2015. Collection method: clinical testing. Allele origin: germline.
Comment: Variant summary: PKD1 c.12436G>A (p.Val4146Ile) results in a conservative amino acid change in the encoded protein sequence. Algorithms developed to predict the effect of missense changes on protein structure and function all suggest that this variant is likely to be tolerated. The variant allele was found at a frequency of 0.0044 in 244946 control chromosomes, predominantly at a frequency of 0.0086 within the South Asian subpopulation in the gnomAD database, including 3 homozygotes. The observed variant frequency within South Asian control individuals in the gnomAD database exceeds the estimated maximal expected allele frequency for disease-causing variants in PKD1. c.12436G>A has been observed in individuals affected with PKD1-related conditions without evidence of cosegregation with disease (Edrees_2016, Carrera_2016, Al-Muhanna_2019). These reports do not provide unequivocal conclusions about association of the variant with PKD1-Biallelic Autosomal Recessive Polycystic Kidney Disease. To our knowledge, no experimental evidence demonstrating an impact on protein function has been reported. The following publications have been ascertained in the context of this evaluation (PMID: 27843768, 27499327, 31488014). ClinVar contains an entry for this variant (Variation ID: 256919). Based on the evidence outlined above, the variant was classified as likely benign.

Mayo Clinic Laboratories, Mayo Clinic
Classification: Likely benign. Last evaluated: 2025-02-24. Review status: criteria provided, single submitter. Criteria: ACMG Guidelines, 2015. Collection method: clinical testing. Allele origin: germline. Observed: 5 variant alleles.
Comment: BS1, BS2

Blueprint Genetics
Classification: Benign. Last evaluated: 2024-11-13. Review status: criteria provided, single submitter. Criteria: ACMG Guidelines, 2015. Collection method: clinical testing. Allele origin: germline.

GeneDx
Classification: Likely benign. Last evaluated: 2021-03-16. Review status: criteria provided, single submitter. Criteria: GeneDx Variant Classification Process June 2021. Collection method: clinical testing. Allele origin: germline. Affected: yes.
Comment: This variant is associated with the following publications: (PMID: 22383692, 10200984, 27843768, 27499327, 27401137, 11967008, 31488014)

ARUP Laboratories, Molecular Genetics and Genomics, ARUP Laboratories
Classification: Benign for Polycystic kidney disease, adult type. Last evaluated: 2019-02-08. Review status: criteria provided, single submitter. Criteria: ARUP Molecular Germline Variant Investigation Process. Collection method: clinical testing. Allele origin: germline.

Athena Diagnostics
Classification: Benign for Polycystic kidney disease, adult type. Last evaluated: 2017-05-23. Review status: criteria provided, single submitter. Criteria: Athena Diagnostics Criteria. Collection method: clinical testing. Allele origin: germline.

Breakthrough Genomics
Classification: Likely benign. Review status: criteria provided, single submitter. Criteria: ACMG Guidelines, 2015. Collection method: not provided. Allele origin: germline. Inheritance: Autosomal dominant inheritance. Affected: yes.

PreventionGenetics, part of Exact Sciences
Classification: Likely benign. Review status: criteria provided, single submitter. Criteria: ACMG Guidelines, 2015. Collection method: clinical testing. Allele origin: germline.

Department of Pathology and Laboratory Medicine, Sinai Health System
Classification: Likely benign for Polycystic Kidney disease. Review status: no assertion criteria provided. Collection method: clinical testing. Allele origin: unknown. Affected: yes. Observed: 1 variant allele. Study: The Canadian Open Genetics Repository (COGR). Not counted in ClinVar's aggregate classification.
Comment: The PKD1 p.Val4146Ile variant was identified in 8 of 1080 proband chromosomes (frequency: 0.007) from individuals or families with ADPKD (Badenas 1999, Rossetti 2012, Rossetti 2002, Stekrova 2009). The variant was also identified in the following databases: dbSNP (ID: rs148478410) as â€šÃ„ÃºWith Likely benign alleleâ€šÃ„Ã¹, ClinVar (1x, as likely benign by Prevention Genetics), LOVD 3.0 (1x, with unknown effect, 1x as "Probably does not affect function"), ADPKD Mutation Database (as likely neutral). The variant was not identified in the PKD1-LOVD database. The variant was identified in control databases in 1211 of 271698 (5 homozygous) chromosomes at a frequency of 0.004457 in the following populations: African in 11 of 23782 chromosomes (freq. 0.00046), other in 41 of 6358 chromosomes (freq. 0.0064), Latino in 102 of 34238 chromosomes (freq. 0.003), European in 644 of 12418 (2 homozygous) chromosomes (freq. 0.005), Ashkenazi Jewish in 30 of 9890 chromosomes (freq. 0.003), East Asian in 1 of 18826 chromosomes (freq. 0.00005), Finnish in 117 of 25656 chromosomes (freq. 0.0045), and South Asian in 265 of 30530 (3 homozygous) chromosomes (freq. 0.0086), increasing the likelihood this could be a low frequency benign variant (Genome Aggregation Consortium Feb 27, 2017). The p.Val4146 residue is conserved in mammals but not in more distantly related organisms however four out of five computational analyses (PolyPhen-2, SIFT, AlignGVGD, BLOSUM, MutationTaster) do not suggest a high likelihood of impact to the protein; this information is not predictive enough to rule out pathogenicity. The variant occurs outside of the splicing consensus sequence and 4 of 5 in silico or computational prediction software programs (SpliceSiteFinder, MaxEntScan, NNSPLICE, GeneSplicer, HumanSpliceFinder) predict a greater than 10% difference in splicing. However, this information is not predictive enough to assume pathogenicity. In summary, based on the above information the clinical significance of this variant cannot be determined with certainty at this time although we would lean towards a more benign role for this variant. This variant is classified as likely benign.

Genome Diagnostics Laboratory, University Medical Center Utrecht
Classification: Benign. Review status: no assertion criteria provided. Collection method: clinical testing. Allele origin: germline. Affected: yes. Study: VKGL Data-share Consensus. Not counted in ClinVar's aggregate classification.

Laboratory of Diagnostic Genome Analysis, Leiden University Medical Center (LUMC)
Classification: Likely benign. Review status: no assertion criteria provided. Collection method: clinical testing. Allele origin: germline. Affected: yes. Study: VKGL Data-share Consensus. Not counted in ClinVar's aggregate classification.

Literature cited by the submitters: PubMed 31488014 (cited by Women's Health and Genetics/Laboratory Corporation of America, LabCorp and Mayo Clinic Laboratories, Mayo Clinic); PubMed 27499327 (cited by Women's Health and Genetics/Laboratory Corporation of America, LabCorp and Mayo Clinic Laboratories, Mayo Clinic); PubMed 27843768 (cited by Women's Health and Genetics/Laboratory Corporation of America, LabCorp and Athena Diagnostics); PubMed 10200984 (cited by Mayo Clinic Laboratories, Mayo Clinic and Athena Diagnostics); PubMed 27401137 (cited by Mayo Clinic Laboratories, Mayo Clinic and Athena Diagnostics); PubMed 30476936 (cited by Mayo Clinic Laboratories, Mayo Clinic).